The following is an entry in ClinVar:

NM_004304.5(ALK):c.889G>A (p.Glu297Lys)

Gene: ALK (ALK receptor tyrosine kinase; minus strand). Cytogenetic location: 2p23.2.
Variant type: single nucleotide variant.
Coding change: c.889G>A on transcript NM_004304.5 (MANE Select); coding-DNA position 889, G replaced by A.
Protein change: p.Glu297Lys; replaces glutamic acid 297 with lysine.
Molecular consequence: missense variant.
Genome position (GRCh38, 1-based): chr2:29,694,913, C>T on the plus strand (G>A on the coding strand, the complement: ALK is on the minus strand). VCF-style: chr2-29694913-C-T. GRCh37 (hg19) VCF-style: chr2-29917779-C-T.
Other names: short protein forms E297K.
Identifiers: ClinVar variation 1404485 (VCV001404485.6), dbSNP rs2148289760, ClinGen allele CA346586933.

ClinVar aggregate classification (germline): Uncertain significance (1 of 4 stars; one submission).

Conditions:
Neuroblastoma, susceptibility to, 3. Also called: ALK-Related Neuroblastic Tumor Susceptibility. Identifiers: Orphanet 635, MedGen C2751681, MONDO:0013083, OMIM 613014.

Submission:

Labcorp Genetics (formerly Invitae), Labcorp
Classification: Uncertain significance for Neuroblastoma, susceptibility to, 3. Last evaluated: 2025-12-31. Review status: criteria provided, single submitter. Criteria: Invitae Variant Classification Sherloc (09022015). Collection method: clinical testing. Allele origin: germline.
Comment: This sequence change replaces glutamic acid, which is acidic and polar, with lysine, which is basic and polar, at codon 297 of the ALK protein (p.Glu297Lys). This variant is not present in population databases (gnomAD no frequency). This variant has not been reported in the literature in individuals affected with ALK-related conditions. ClinVar contains an entry for this variant (Variation ID: 1404485). An algorithm developed to predict the effect of missense changes on protein structure and function (PolyPhen-2) suggests that this variant is likely to be disruptive. In summary, the available evidence is currently insufficient to determine the role of this variant in disease. Therefore, it has been classified as a Variant of Uncertain Significance.